The following is an entry in ClinVar:

ClinVar aggregate classification (germline): Uncertain significance (1 of 4 stars; one submission).

gnomAD v4.1: 9 of 1,612,384 alleles (0.00056%); highest among the groups gnomAD compares: South Asian, 0.0011%; no homozygotes.

Submission:

Labcorp Genetics (formerly Invitae), Labcorp
Classification: Uncertain significance. Last evaluated: 2024-10-28. Review status: criteria provided, single submitter. Criteria: Invitae Variant Classification Sherloc (09022015). Collection method: clinical testing. Allele origin: germline.
Comment: This sequence change replaces valine, which is neutral and non-polar, with alanine, which is neutral and non-polar, at codon 218 of the KANK2 protein (p.Val218Ala). This variant is present in population databases (rs759715508, gnomAD 0.003%). This variant has not been reported in the literature in individuals affected with KANK2-related conditions. An algorithm developed to predict the effect of missense changes on protein structure and function (PolyPhen-2) suggests that this variant is likely to be disruptive. In summary, the available evidence is currently insufficient to determine the role of this variant in disease. Therefore, it has been classified as a Variant of Uncertain Significance.

NM_001136191.3(KANK2):c.653T>C (p.Val218Ala)

Gene: KANK2 (KN motif and ankyrin repeat domains 2; minus strand). Cytogenetic location: 19p13.2.
Variant type: single nucleotide variant.
Coding change: c.653T>C on transcript NM_001136191.3 (MANE Select); coding-DNA position 653, T replaced by C.
Protein change: p.Val218Ala; replaces valine 218 with alanine.
Molecular consequence: missense variant.
Genome position (GRCh38, 1-based): chr19:11,193,427, A>G on the plus strand (T>C on the coding strand, the complement: KANK2 is on the minus strand). VCF-style: chr19-11193427-A-G. GRCh37 (hg19) VCF-style: chr19-11304103-A-G.
Other names: c.653T>C, p.Val218Ala (NM_001329451.2, NM_001379548.1, NM_001379549.1 and 15 more transcripts); short protein forms V218A.
Identifiers: ClinVar variation 3604578 (VCV003604578.2).